The following is an entry in ClinVar:

NM_005902.4(SMAD3):c.1070A>C (p.Asn357Thr)

Gene: SMAD3 (SMAD family member 3; plus strand). Cytogenetic location: 15q22.33.
Variant type: single nucleotide variant.
Coding change: c.1070A>C on transcript NM_005902.4 (MANE Select); coding-DNA position 1070, A replaced by C.
Protein change: p.Asn357Thr; replaces asparagine 357 with threonine.
Molecular consequence: missense variant.
Genome position (GRCh38, 1-based): chr15:67,187,425, A>C. VCF-style: chr15-67187425-A-C. GRCh37 (hg19) VCF-style: chr15-67479763-A-C.
Other names: c.755A>C, p.Asn252Thr (NM_001145102.2, NM_001407016.1); c.938A>C, p.Asn313Thr (NM_001145103.2, NM_001407012.1); c.485A>C, p.Asn162Thr (NM_001145104.2, NM_001407017.1); c.1181A>C, p.Asn394Thr (NM_001407011.1); c.932A>C, p.Asn311Thr (NM_001407013.1); c.923A>C, p.Asn308Thr (NM_001407014.1); c.623A>C, p.Asn208Thr (NM_001407015.1); short protein forms N162T, N208T, N252T, N308T, N311T, N313T, N357T, N394T.
Identifiers: ClinVar variation 3386019 (VCV003386019.1).

ClinVar aggregate classification (germline): Uncertain significance (1 of 4 stars; one submission).

Conditions:
Aneurysm-osteoarthritis syndrome. Also called: LOEYS-DIETZ SYNDROME WITH OSTEOARTHRITIS; SMAD3-Related Loeys-Dietz Syndrome; ANEURYSMS-OSTEOARTHRITIS SYNDROME; Loeys-Dietz syndrome, type 1C. Identifiers: Orphanet 284984, MedGen C3151087, MONDO:0013426, OMIM 613795.

gnomAD v4.1: 1 of 1,614,176 alleles (0.000062%); highest among the groups gnomAD compares: Non-Finnish European, 0.000085%; no homozygotes.

Submission:

All of Us Research Program, National Institutes of Health
Classification: Uncertain significance for Aneurysm-osteoarthritis syndrome. Last evaluated: 2024-05-14. Review status: criteria provided, single submitter. Criteria: ACMG Guidelines, 2015. Collection method: clinical testing. Allele origin: germline. Inheritance: Autosomal dominant inheritance. Observed: 1 variant allele, 1 heterozygote.
Comment: This missense variant replaces asparagine with threonine at codon 357 of the SMAD3 protein. Computational prediction is inconclusive regarding the impact of this variant on protein structure and function (internally defined REVEL score threshold 0.5 < inconclusive < 0.7, PMID: 27666373). To our knowledge, functional studies have not been reported for this variant. This variant has not been reported in individuals affected with SMAD3-related disorders in the literature. This variant has not been identified in the general population by the Genome Aggregation Database (gnomAD). The available evidence is insufficient to determine the role of this variant in disease conclusively. Therefore, this variant is classified as a Variant of Uncertain Significance.

This study involves interpretation of variants in research participants for the purpose of population health screening. Participant phenotype was not available at the time of variant classification. Additional details can be found in publication PMID: 35346344, PMCID: PMC8962531